The following is an entry in ClinVar:

ClinVar aggregate classification (germline): Uncertain significance (1 of 4 stars; one submission).

Submission:

Labcorp Genetics (formerly Invitae), Labcorp
Classification: Uncertain significance. Last evaluated: 2021-05-08. Review status: criteria provided, single submitter. Criteria: Invitae Variant Classification Sherloc (09022015). Collection method: clinical testing. Allele origin: germline.
Comment: In summary, the available evidence is currently insufficient to determine the role of this variant in disease. Therefore, it has been classified as a Variant of Uncertain Significance. Algorithms developed to predict the effect of sequence changes on RNA splicing suggest that this variant may disrupt the consensus splice site, but this prediction has not been confirmed by published transcriptional studies. This variant has not been reported in the literature in individuals with POLE-related conditions. This variant is not present in population databases (ExAC no frequency). This sequence change falls in intron 42 of the POLE gene. It does not directly change the encoded amino acid sequence of the POLE protein.

NM_006231.4(POLE):c.5812-6T>C

Gene: POLE (DNA polymerase epsilon, catalytic subunit; minus strand). Cytogenetic location: 12q24.33.
Variant type: single nucleotide variant.
Coding change: c.5812-6T>C on transcript NM_006231.4 (MANE Select); 6 bases into the intron before coding-DNA position 5812, T replaced by C.
Molecular consequence: intron variant.
Genome position (GRCh38, 1-based): chr12:132,634,384, A>G on the plus strand (T>C on the coding strand, the complement: POLE is on the minus strand). VCF-style: chr12-132634384-A-G. GRCh37 (hg19) VCF-style: chr12-133210970-A-G.
Identifiers: ClinVar variation 1437691 (VCV001437691.8), dbSNP rs2138475820, ClinGen allele CA2573148299.